The following is an entry in ClinVar:

ClinVar aggregate classification (germline): Uncertain significance. Review status: criteria provided, multiple submitters, no conflicts (2 of 4 stars). 2 submissions from 2 submitters: Uncertain significance (2). Last evaluated 2022-11-15.

Conditions:
Hereditary cancer-predisposing syndrome. Also called: Tumor predisposition; Hereditary neoplastic syndrome; Neoplastic Syndromes, Hereditary; Hereditary Cancer Syndrome. Identifiers: Orphanet 140162, MedGen C0027672, MeSH D009386, MONDO:0015356.
Cardiovascular phenotype. Identifiers: MedGen CN230736.
Neurofibromatosis, type 1 (NF1). Also called: Peripheral type neurofibromatosis; VON RECKLINGHAUSEN DISEASE; Neurofibromatosis, type I; NEUROFIBROMATOSIS, TYPE I, SOMATIC. Identifiers: Orphanet 636, MedGen C0027831, MONDO:0018975, OMIM 162200. Disease mechanism: loss of function.

Submissions (2):

Labcorp Genetics (formerly Invitae), Labcorp
Classification: Uncertain significance for Neurofibromatosis, type 1. Last evaluated: 2022-11-15. Review status: criteria provided, single submitter. Criteria: Invitae Variant Classification Sherloc (09022015). Collection method: clinical testing. Allele origin: germline.
Comment: This sequence change replaces threonine, which is neutral and polar, with serine, which is neutral and polar, at codon 1544 of the NF1 protein (p.Thr1544Ser). This variant is not present in population databases (gnomAD no frequency). This variant has not been reported in the literature in individuals affected with NF1-related conditions. ClinVar contains an entry for this variant (Variation ID: 937080). Advanced modeling of protein sequence and biophysical properties (such as structural, functional, and spatial information, amino acid conservation, physicochemical variation, residue mobility, and thermodynamic stability) performed at Invitae indicates that this missense variant is not expected to disrupt NF1 protein function. In summary, the available evidence is currently insufficient to determine the role of this variant in disease. Therefore, it has been classified as a Variant of Uncertain Significance.

Ambry Genetics
Classification: Uncertain significance for Cardiovascular phenotype; Hereditary cancer-predisposing syndrome. Last evaluated: 2019-06-20. Review status: criteria provided, single submitter. Criteria: Ambry Variant Classification Scheme 2023. Collection method: clinical testing. Allele origin: germline.
Comment: The p.T1544S variant (also known as c.4631C>G), located in coding exon 34 of the NF1 gene, results from a C to G substitution at nucleotide position 4631. The threonine at codon 1544 is replaced by serine, an amino acid with similar properties. This amino acid position is highly conserved in available vertebrate species. In addition, this alteration is predicted to be tolerated by in silico analysis. Since supporting evidence is limited at this time, the clinical significance of this alteration remains unclear.

NM_001042492.3(NF1):c.4694C>G (p.Thr1565Ser)

Gene: NF1 (neurofibromin 1; plus strand). Cytogenetic location: 17q11.2.
Variant type: single nucleotide variant.
Coding change: c.4694C>G on transcript NM_001042492.3 (MANE Select); coding-DNA position 4694, C replaced by G.
Protein change: p.Thr1565Ser; replaces threonine 1565 with serine.
Molecular consequence: missense variant.
Genome position (GRCh38, 1-based): chr17:31,261,827, C>G. VCF-style: chr17-31261827-C-G. GRCh37 (hg19) VCF-style: chr17-29588845-C-G.
Other names: c.4631C>G, p.Thr1544Ser (NM_000267.4); short protein forms T1565S, T1544S.
Identifiers: ClinVar variation 937080 (VCV000937080.9), dbSNP rs2067691859, ClinGen allele CA399000554.
Genomic context (GRCh38, chr17:31,261,827, plus strand): 5'-ACCTGGGTCCTCCAGAGCACAAACCTGTGGCAGATACACACTGGTCCAGCCTTAACCTTA[C>G]CAGTTCAAAGTTTGAGGAATTTATGACTAGGTAAAGTACAACCTTGAAATAGTTGATTGC-3'
Protein context (NP_001035957.1, residues 1555-1575): ADTHWSSLNL[Thr1565Ser]SSKFEEFMTR